The following is an entry in ClinVar:

ClinVar aggregate classification (germline): Uncertain significance (1 of 4 stars; one submission).

Allele frequency attached by ClinVar (database versions not stated): gnomAD exomes below 0.00001.
gnomAD v4.1: 1 of 1,603,326 alleles (0.000062%); highest among the groups gnomAD compares: Non-Finnish European, 0.000085%; no homozygotes.

Submission:

Labcorp Genetics (formerly Invitae), Labcorp
Classification: Uncertain significance. Last evaluated: 2022-02-10. Review status: criteria provided, single submitter. Criteria: Invitae Variant Classification Sherloc (09022015). Collection method: clinical testing. Allele origin: germline.
Comment: This sequence change replaces lysine, which is basic and polar, with glutamic acid, which is acidic and polar, at codon 84 of the MYSM1 protein (p.Lys84Glu). This variant is present in population databases (no rsID available, gnomAD 0.0009%). This variant has not been reported in the literature in individuals affected with MYSM1-related conditions. Algorithms developed to predict the effect of missense changes on protein structure and function (SIFT, PolyPhen-2, Align-GVGD) all suggest that this variant is likely to be tolerated. In summary, the available evidence is currently insufficient to determine the role of this variant in disease. Therefore, it has been classified as a Variant of Uncertain Significance.

NM_001085487.3(MYSM1):c.250A>G (p.Lys84Glu)

Gene: MYSM1 (Myb like, SWIRM and MPN domains 1; minus strand). Cytogenetic location: 1p32.1.
Variant type: single nucleotide variant.
Coding change: c.250A>G on transcript NM_001085487.3 (MANE Select); coding-DNA position 250, A replaced by G.
Protein change: p.Lys84Glu; replaces lysine 84 with glutamic acid.
Molecular consequence: missense variant.
Genome position (GRCh38, 1-based): chr1:58,690,386, T>C on the plus strand (A>G on the coding strand, the complement: MYSM1 is on the minus strand). VCF-style: chr1-58690386-T-C. GRCh37 (hg19) VCF-style: chr1-59156058-T-C.
Other names: short protein forms K84E.
Identifiers: ClinVar variation 1511367 (VCV001511367.8), dbSNP rs1243884423, ClinGen allele CA340532632.